The following is an entry in ClinVar:

NM_004793.4(LONP1):c.2378A>T (p.Lys793Met)

Gene: LONP1 (lon peptidase 1, mitochondrial; minus strand). Cytogenetic location: 19p13.3.
Variant type: single nucleotide variant.
Coding change: c.2378A>T on transcript NM_004793.4 (MANE Select); coding-DNA position 2378, A replaced by T.
Protein change: p.Lys793Met; replaces lysine 793 with methionine.
Molecular consequence: missense variant. On other transcripts: non-coding transcript variant (1).
Genome position (GRCh38, 1-based): chr19:5,693,712, T>A on the plus strand (A>T on the coding strand, the complement: LONP1 is on the minus strand). VCF-style: chr19-5693712-T-A. GRCh37 (hg19) VCF-style: chr19-5693723-T-A.
Other names: c.2186A>T, p.Lys729Met (NM_001276479.2); c.1790A>T, p.Lys597Met (NM_001276480.1); short protein forms K793M, K729M, K597M.
Identifiers: ClinVar variation 1468406 (VCV001468406.8), dbSNP rs762154436, ClinGen allele CA9114126.

ClinVar aggregate classification (germline): Uncertain significance (1 of 4 stars; one submission).

gnomAD v4.1: 7 of 1,613,952 alleles (0.00043%); highest among the groups gnomAD compares: Middle Eastern, 0.066%; no homozygotes.

Submission:

Labcorp Genetics (formerly Invitae), Labcorp
Classification: Uncertain significance. Last evaluated: 2023-08-30. Review status: criteria provided, single submitter. Criteria: Invitae Variant Classification Sherloc (09022015). Collection method: clinical testing. Allele origin: germline.
Comment: In summary, the available evidence is currently insufficient to determine the role of this variant in disease. Therefore, it has been classified as a Variant of Uncertain Significance. An algorithm developed to predict the effect of missense changes on protein structure and function (PolyPhen-2) suggests that this variant is likely to be disruptive. ClinVar contains an entry for this variant (Variation ID: 1468406). This variant has not been reported in the literature in individuals affected with LONP1-related conditions. This variant is present in population databases (rs762154436, gnomAD 0.003%). This sequence change replaces lysine, which is basic and polar, with methionine, which is neutral and non-polar, at codon 793 of the LONP1 protein (p.Lys793Met).